The following is an entry in ClinVar:

NM_004795.4(KL):c.91C>T (p.Leu31=)

Gene: KL (klotho; plus strand). Cytogenetic location: 13q13.1.
Variant type: single nucleotide variant.
Coding change: c.91C>T on transcript NM_004795.4 (MANE Select); coding-DNA position 91, C replaced by T.
Protein change: p.Leu31=; no amino-acid change (leucine 31 retained).
Molecular consequence: synonymous variant.
Genome position (GRCh38, 1-based): chr13:33,016,531, C>T. VCF-style: chr13-33016531-C-T. GRCh37 (hg19) VCF-style: chr13-33590669-C-T.
Other names: p.Leu31=.
Identifiers: ClinVar variation 881809 (VCV000881809.14), dbSNP rs540806300, ClinGen allele CA6943837.
Genomic context (GRCh38, chr13:33,016,531, plus strand): 5'-CGGCCGCCGCCGCCGTCGCTGTCGCTGCTGCTGGTGCTGCTGGGCCTGGGCGGCCGCCGC[C>T]TGCGTGCGGAGCCGGGCGACGGCGCGCAGACCTGGGCCCGTTTCTCGCGGCCTCCTGCCC-3'
Protein context (NP_004786.2, residues 21-41): LVLLGLGGRR[Leu31=]RAEPGDGAQT

ClinVar aggregate classification (germline): Benign. Review status: criteria provided, multiple submitters, no conflicts (2 of 4 stars). 5 submissions from 5 submitters: Benign (5). Last evaluated 2025-12-03.

Conditions:
Tumoral calcinosis, hyperphosphatemic, familial, 3. Identifiers: MedGen C4693864, MONDO:0060715, OMIM 617994.

Allele frequency attached by ClinVar (database versions not stated): ExAC below 0.00001; gnomAD exomes 0.00032 and 0.00037; gnomAD 0.00387 and 0.00421; TOPMed 0.00417; 1000 Genomes Project 0.00419; 1000 Genomes Project 30x 0.00468.
gnomAD v4.1: 985 of 1,351,012 alleles (0.073%); highest among the groups gnomAD compares: African/African-American, 1.4%; 12 homozygotes.

Submissions (5):

Labcorp Genetics (formerly Invitae), Labcorp
Classification: Benign. Last evaluated: 2025-12-03. Review status: criteria provided, single submitter. Criteria: Invitae Variant Classification Sherloc (09022015). Collection method: clinical testing. Allele origin: germline.

Mayo Clinic Laboratories, Mayo Clinic
Classification: Benign. Last evaluated: 2025-08-06. Review status: criteria provided, single submitter. Criteria: ACMG Guidelines, 2015. Collection method: clinical testing. Allele origin: germline. Observed: 1 variant allele.
Comment: BS1, BS2, BP4, BP7

Fulgent Genetics
Classification: Benign for Tumoral calcinosis, hyperphosphatemic, familial, 3. Last evaluated: 2021-08-16. Review status: criteria provided, single submitter. Criteria: ACMG Guidelines, 2015. Collection method: clinical testing. Allele origin: unknown.

Illumina Laboratory Services, Illumina
Classification: Benign for Tumoral calcinosis, hyperphosphatemic, familial, 3. Last evaluated: 2018-01-12. Review status: criteria provided, single submitter. Criteria: ICSL Variant Classification Criteria 13 December 2019. Collection method: clinical testing. Allele origin: germline.
Comment: This variant was observed in the ICSL laboratory as part of a predisposition screen in an ostensibly healthy population. It had not been previously curated by ICSL or reported in the Human Gene Mutation Database (HGMD: prior to June 1st, 2018), and was therefore a candidate for classification through an automated scoring system. Utilizing variant allele frequency, disease prevalence and penetrance estimates, and inheritance mode, an automated score was calculated to assess if this variant is too frequent to cause the disease. Based on the score and internal cut-off values, a variant classified as benign is not then subjected to further curation. The score for this variant resulted in a classification of benign for this disease.

Breakthrough Genomics
Classification: Benign. Review status: criteria provided, single submitter. Criteria: ACMG Guidelines, 2015. Collection method: not provided. Allele origin: germline. Inheritance: Autosomal recessive inheritance. Affected: yes.